The following is an entry in ClinVar:

NM_001395656.1(ROBO2):c.1164C>A (p.Ser388=)

Gene: ROBO2 (roundabout guidance receptor 2; plus strand). Cytogenetic location: 3p12.3.
Variant type: single nucleotide variant.
Coding change: c.1164C>A on transcript NM_001395656.1 (MANE Select); coding-DNA position 1164, C replaced by A.
Protein change: p.Ser388=; no amino-acid change (serine 388 retained).
Molecular consequence: synonymous variant. On other transcripts: 5 prime UTR variant (1).
Genome position (GRCh38, 1-based): chr3:77,550,910, C>A. VCF-style: chr3-77550910-C-A. GRCh37 (hg19) VCF-style: chr3-77600061-C-A.
Other names: c.1200C>A, p.Ser400= (NM_001128929.3); c.1164C>A, p.Ser388= (NM_001290039.2, NM_001290040.2, NM_001378202.1); c.-767C>A (NM_001290065.2); c.1212C>A, p.Ser404= (NM_001378190.1, NM_001378191.1, NM_001378195.1 and 4 more transcripts); c.1233C>A, p.Ser411= (NM_001378192.1, NM_001378194.1, NM_001378198.1 and 2 more transcripts); c.1152C>A, p.Ser384= (NM_001378193.1, NM_001378197.1, NM_002942.5); c.1221C>A, p.Ser407= (NM_001394212.1, NM_001394214.1, NM_001395657.1).
Identifiers: ClinVar variation 4989391 (VCV004989391.1).

ClinVar aggregate classification (germline): Likely benign (1 of 4 stars; one submission).

Conditions:
ROBO2-related disorder. Also called: ROBO2-related condition.

Submission:

PreventionGenetics, part of Exact Sciences
Classification: Likely benign for ROBO2-related condition. Last evaluated: 2026-05-07. Review status: criteria provided, single submitter. Criteria: ACMG Guidelines, 2015. Collection method: clinical testing. Allele origin: germline.
Comment: This variant is classified as likely benign based on ACMG/AMP sequence variant interpretation guidelines (Richards et al. 2015 PMID: 25741868, with internal and published modifications).